The following is an entry in ClinVar:

ClinVar aggregate classification (germline): Uncertain significance (1 of 4 stars; one submission).

Allele frequency attached by ClinVar (database versions not stated): TOPMed below 0.00001; gnomAD 0.00001.
gnomAD v4.1: 1 of 1,606,952 alleles (0.000062%); highest among the groups gnomAD compares: Non-Finnish European, 0.000085%; no homozygotes.

Submission:

Ambry Genetics
Classification: Uncertain significance. Last evaluated: 2023-02-18. Review status: criteria provided, single submitter. Criteria: Ambry Variant Classification Scheme 2023. Collection method: clinical testing. Allele origin: germline.
Comment: The p.K345E variant (also known as c.1033A>G), located in coding exon 11 of the NEBL gene, results from an A to G substitution at nucleotide position 1033. The lysine at codon 345 is replaced by glutamic acid, an amino acid with similar properties. This amino acid position is conserved. In addition, the in silico prediction for this alteration is inconclusive. Since supporting evidence is limited at this time, the clinical significance of this alteration remains unclear.

NM_006393.3(NEBL):c.1033A>G (p.Lys345Glu)

Gene: NEBL (nebulette; minus strand). Cytogenetic location: 10p12.31.
Variant type: single nucleotide variant.
Coding change: c.1033A>G on transcript NM_006393.3 (MANE Select); coding-DNA position 1033, A replaced by G.
Protein change: p.Lys345Glu; replaces lysine 345 with glutamic acid.
Molecular consequence: missense variant. On other transcripts: intron variant (9).
Genome position (GRCh38, 1-based): chr10:20,850,478, T>C on the plus strand (A>G on the coding strand, the complement: NEBL is on the minus strand). VCF-style: chr10-20850478-T-C. GRCh37 (hg19) VCF-style: chr10-21139407-T-C.
Other names: c.250-37538A>G (NM_001377327.1, NM_001377328.1, NM_001377326.1); c.358-37538A>G (NM_213569.2, NM_001173484.2, NM_001377322.1); c.301-37538A>G (NM_001377324.1); c.292-37538A>G (NM_001377325.1); c.310-37538A>G (NM_001377323.1); short protein forms K345E.
Identifiers: ClinVar variation 2448886 (VCV002448886.2), dbSNP rs1842399389, ClinGen allele CA376099968.